The following is an entry in ClinVar:

ClinVar aggregate classification (germline): Likely pathogenic (1 of 4 stars; one submission).

Conditions:
Cerebral cavernous malformation 2. Also called: Familial Cerebral Cavernous Malformation 2. Identifiers: Orphanet 221061, MedGen C1864041, MONDO:0011304, OMIM 603284.

Allele frequency attached by ClinVar (database versions not stated): gnomAD exomes below 0.00001.
gnomAD v4.1: 2 of 1,601,942 alleles (0.00012%); highest among the groups gnomAD compares: Non-Finnish European, 0.00017%; no homozygotes.

Submission:

Labcorp Genetics (formerly Invitae), Labcorp
Classification: Likely pathogenic for Cerebral cavernous malformation 2. Last evaluated: 2022-11-01. Review status: criteria provided, single submitter. Criteria: Invitae Variant Classification Sherloc (09022015). Collection method: clinical testing. Allele origin: germline.
Comment: This variant has not been reported in the literature in individuals affected with CCM2-related conditions. This variant is not present in population databases (gnomAD no frequency). This sequence change affects a donor splice site in intron 8 of the CCM2 gene. It is expected to disrupt RNA splicing. Variants that disrupt the donor or acceptor splice site typically lead to a loss of protein function (PMID: 16199547), and loss-of-function variants in CCM2 are known to be pathogenic (PMID: 18300272, 24689081). Algorithms developed to predict the effect of sequence changes on RNA splicing suggest that this variant may disrupt the consensus splice site. In summary, the currently available evidence indicates that the variant is pathogenic, but additional data are needed to prove that conclusively. Therefore, this variant has been classified as Likely Pathogenic.

Literature cited by the submitters: PubMed 16199547; PubMed 18300272; PubMed 24689081.

NM_031443.4(CCM2):c.915+2T>C

Gene: CCM2 (CCM2 scaffold protein; plus strand). Cytogenetic location: 7p13.
Variant type: single nucleotide variant.
Coding change: c.915+2T>C on transcript NM_031443.4 (MANE Select); the canonical splice donor site of the intron after coding-DNA position 915, T replaced by C.
Molecular consequence: splice donor variant.
Genome position (GRCh38, 1-based): chr7:45,073,573, T>C. VCF-style: chr7-45073573-T-C. GRCh37 (hg19) VCF-style: chr7-45113172-T-C.
Other names: c.1038+2T>C (NM_001363458.2); c.642+2T>C (NM_001167935.2); c.864+2T>C (NM_001363459.2); c.741+2T>C (NM_001167934.2); c.978+2T>C (NM_001029835.2).
Identifiers: ClinVar variation 2019491 (VCV002019491.4), dbSNP rs2486170351, ClinGen allele CA367431186.